The following is an entry in ClinVar:

ClinVar aggregate classification (germline): Uncertain significance. Review status: criteria provided, multiple submitters, no conflicts (2 of 4 stars). 2 submissions from 2 submitters: Uncertain significance (2). Last evaluated 2023-12-27.

Conditions:
Neuronal ceroid lipofuscinosis 7 (CLN7). Also called: MFSD8-Related Neuronal Ceroid-Lipofuscinosis. Identifiers: Orphanet 168491, Orphanet 228366, MedGen C1838571, MONDO:0012588, OMIM 610951.

Allele frequency attached by ClinVar (database versions not stated): gnomAD exomes below 0.00001; TOPMed below 0.00001; ExAC 0.00003.
gnomAD v4.1: 6 of 1,614,126 alleles (0.00037%); highest among the groups gnomAD compares: Admixed American, 0.01%; no homozygotes.

Submissions (2):

GeneDx
Classification: Uncertain significance. Last evaluated: 2023-12-27. Review status: criteria provided, single submitter. Criteria: GeneDx Variant Classification Process June 2021. Collection method: clinical testing. Allele origin: germline. Affected: yes.
Comment: Not observed at significant frequency in large population cohorts (gnomAD); In silico analysis supports that this missense variant does not alter protein structure/function; Has not been previously published as pathogenic or benign to our knowledge

Labcorp Genetics (formerly Invitae), Labcorp
Classification: Uncertain significance for Neuronal ceroid lipofuscinosis 7. Last evaluated: 2022-08-01. Review status: criteria provided, single submitter. Criteria: Invitae Variant Classification Sherloc (09022015). Collection method: clinical testing. Allele origin: germline.
Comment: This sequence change replaces phenylalanine, which is neutral and non-polar, with isoleucine, which is neutral and non-polar, at codon 379 of the MFSD8 protein (p.Phe379Ile). This variant is present in population databases (rs750297992, gnomAD 0.01%). This variant has not been reported in the literature in individuals affected with MFSD8-related conditions. Algorithms developed to predict the effect of missense changes on protein structure and function (SIFT, PolyPhen-2, Align-GVGD) all suggest that this variant is likely to be tolerated. In summary, the available evidence is currently insufficient to determine the role of this variant in disease. Therefore, it has been classified as a Variant of Uncertain Significance.

NM_001371596.2(MFSD8):c.1135T>A (p.Phe379Ile)

Gene: MFSD8 (major facilitator superfamily domain containing 8; minus strand). Cytogenetic location: 4q28.2.
Variant type: single nucleotide variant.
Coding change: c.1135T>A on transcript NM_001371596.2 (MANE Select); coding-DNA position 1135, T replaced by A.
Protein change: p.Phe379Ile; replaces phenylalanine 379 with isoleucine.
Molecular consequence: missense variant.
Genome position (GRCh38, 1-based): chr4:127,921,739, A>T on the plus strand (T>A on the coding strand, the complement: MFSD8 is on the minus strand). VCF-style: chr4-127921739-A-T. GRCh37 (hg19) VCF-style: chr4-128842894-A-T.
Other names: c.934T>A, p.Phe312Ile (NM_001363520.3); c.820T>A, p.Phe274Ile (NM_001363521.3); c.1000T>A, p.Phe334Ile (NM_001371590.2); c.1135T>A, p.Phe379Ile (NM_001371591.2, NM_152778.4); c.1141T>A, p.Phe381Ile (NM_001371592.2); c.1021T>A, p.Phe341Ile (NM_001371593.2); c.988T>A, p.Phe330Ile (NM_001371594.2); c.853T>A, p.Phe285Ile (NM_001371595.1); and 3 more; short protein forms F229I, F274I, F285I, F334I, F341I, F312I, F330I, F379I.
Identifiers: ClinVar variation 2188160 (VCV002188160.2), dbSNP rs750297992, ClinGen allele CA3077280.